The following is an entry in ClinVar:

ClinVar aggregate classification (germline): Uncertain significance. Review status: criteria provided, multiple submitters, no conflicts (2 of 4 stars). 2 submissions from 2 submitters: Uncertain significance (2). Last evaluated 2025-04-04.

Conditions:
Inborn genetic diseases. Identifiers: MedGen C0950123, MeSH D030342.

gnomAD v4.1: 11 of 1,612,490 alleles (0.00068%); highest among the groups gnomAD compares: Admixed American, 0.013%; no homozygotes.

Submissions (2):

Ambry Genetics
Classification: Uncertain significance for Inborn genetic diseases. Last evaluated: 2025-04-04. Review status: criteria provided, single submitter. Criteria: Ambry Variant Classification Scheme 2023. Collection method: clinical testing. Allele origin: germline.

Labcorp Genetics (formerly Invitae), Labcorp
Classification: Uncertain significance. Last evaluated: 2024-12-30. Review status: criteria provided, single submitter. Criteria: Invitae Variant Classification Sherloc (09022015). Collection method: clinical testing. Allele origin: germline.
Comment: This sequence change replaces lysine, which is basic and polar, with asparagine, which is neutral and polar, at codon 101 of the MATN3 protein (p.Lys101Asn). This variant is present in population databases (rs758973914, gnomAD 0.01%). This variant has not been reported in the literature in individuals affected with MATN3-related conditions. Invitae Evidence Modeling of protein sequence and biophysical properties (such as structural, functional, and spatial information, amino acid conservation, physicochemical variation, residue mobility, and thermodynamic stability) indicates that this missense variant is not expected to disrupt MATN3 protein function with a negative predictive value of 80%. In summary, the available evidence is currently insufficient to determine the role of this variant in disease. Therefore, it has been classified as a Variant of Uncertain Significance.

NM_002381.5(MATN3):c.303A>C (p.Lys101Asn)

Gene: MATN3 (matrilin 3; minus strand). Cytogenetic location: 2p24.1.
Variant type: single nucleotide variant.
Coding change: c.303A>C on transcript NM_002381.5 (MANE Select); coding-DNA position 303, A replaced by C.
Protein change: p.Lys101Asn; replaces lysine 101 with asparagine.
Molecular consequence: missense variant.
Genome position (GRCh38, 1-based): chr2:20,006,231, T>G on the plus strand (A>C on the coding strand, the complement: MATN3 is on the minus strand). VCF-style: chr2-20006231-T-G. GRCh37 (hg19) VCF-style: chr2-20205992-T-G.
Other names: c.303A>C (NM_002381.4); short protein forms K101N.
Identifiers: ClinVar variation 3714238 (VCV003714238.2).